The following is an entry in ClinVar:

ClinVar aggregate classification (germline): Uncertain significance. Review status: criteria provided, multiple submitters, no conflicts (2 of 4 stars). 2 submissions from 2 submitters: Uncertain significance (2). Last evaluated 2026-08-05.

Conditions:
Inborn genetic diseases. Identifiers: MedGen C0950123, MeSH D030342.
Leber congenital amaurosis 7 (LCA7). Identifiers: Orphanet 65, MedGen C3151192, MONDO:0013449, OMIM 613829.
Cone-rod dystrophy 2 (CORD2). Also called: CONE-ROD RETINAL DYSTROPHY; Cone-rod retinal dystrophy 2. Identifiers: Orphanet 1872, MedGen C3489532, MONDO:0007362, OMIM 120970.

Allele frequency attached by ClinVar (database versions not stated): ExAC 0.00001; gnomAD exomes below 0.00001; TOPMed 0.00001; gnomAD 0.00002.
gnomAD v4.1: 3 of 1,612,302 alleles (0.00019%); highest among the groups gnomAD compares: African/African-American, 0.004%; no homozygotes.

Submissions (2):

Ambry Genetics
Classification: Uncertain significance for Inborn genetic diseases. Last evaluated: 2026-08-05. Review status: criteria provided, single submitter. Criteria: Ambry Variant Classification Scheme 2023. Collection method: clinical testing. Allele origin: germline.

Labcorp Genetics (formerly Invitae), Labcorp
Classification: Uncertain significance for Cone-rod dystrophy 2; Leber congenital amaurosis 7. Last evaluated: 2020-04-29. Review status: criteria provided, single submitter. Criteria: Invitae Variant Classification Sherloc (09022015). Collection method: clinical testing. Allele origin: germline.
Comment: This variant has not been reported in the literature in individuals with CRX-related conditions. This variant is present in population databases (rs773154643, ExAC 0.01%). This sequence change replaces leucine with phenylalanine at codon 171 of the CRX protein (p.Leu171Phe). The leucine residue is highly conserved and there is a small physicochemical difference between leucine and phenylalanine. Algorithms developed to predict the effect of missense changes on protein structure and function are either unavailable or do not agree on the potential impact of this missense change (SIFT: "Deleterious"; PolyPhen-2: "Possibly Damaging"; Align-GVGD: "Class C15"). In summary, the available evidence is currently insufficient to determine the role of this variant in disease. Therefore, it has been classified as a Variant of Uncertain Significance.

NM_000554.6(CRX):c.513G>C (p.Leu171Phe)

Gene: CRX (cone-rod homeobox; plus strand). Cytogenetic location: 19q13.33.
Variant type: single nucleotide variant.
Coding change: c.513G>C on transcript NM_000554.6 (MANE Select); coding-DNA position 513, G replaced by C.
Protein change: p.Leu171Phe; replaces leucine 171 with phenylalanine.
Molecular consequence: missense variant.
Genome position (GRCh38, 1-based): chr19:47,839,580, G>C. VCF-style: chr19-47839580-G-C. GRCh37 (hg19) VCF-style: chr19-48342837-G-C.
Other names: c.513G>C (NM_000554.4); short protein forms L171F.
Identifiers: ClinVar variation 1063814 (VCV001063814.10), dbSNP rs773154643, ClinGen allele CA9544504.